The following is an entry in ClinVar:

ClinVar aggregate classification (germline): Uncertain significance (1 of 4 stars; one submission).

Allele frequency attached by ClinVar (database versions not stated): ESP Exome Variant Server 0.00008; gnomAD exomes 0.00008 and 0.00010; gnomAD 0.00009; TOPMed 0.00010; ExAC 0.00012; 1000 Genomes Project 30x 0.00016; 1000 Genomes Project 0.00020.
gnomAD v4.1: 125 of 1,613,752 alleles (0.0077%); highest among the groups gnomAD compares: Non-Finnish European, 0.0079%; 1 homozygote.

Submission:

Labcorp Genetics (formerly Invitae), Labcorp
Classification: Uncertain significance. Last evaluated: 2025-11-22. Review status: criteria provided, single submitter. Criteria: Invitae Variant Classification Sherloc (09022015). Collection method: clinical testing. Allele origin: germline.
Comment: This sequence change replaces arginine, which is basic and polar, with glutamine, which is neutral and polar, at codon 494 of the ANGPT1 protein (p.Arg494Gln). This variant is present in population databases (rs377442517, gnomAD 0.08%), and has an allele count higher than expected for a pathogenic variant. This missense change has been observed in individual(s) with angioedema (PMID: 28601681). ClinVar contains an entry for this variant (Variation ID: 1506084). An algorithm developed to predict the effect of missense changes on protein structure and function (PolyPhen-2) suggests that this variant is likely to be disruptive. Experimental studies have shown that this missense change does not substantially affect ANGPT1 function (PMID: 28601681). In summary, the available evidence is currently insufficient to determine the role of this variant in disease. Therefore, it has been classified as a Variant of Uncertain Significance.

Literature cited by the submitters: PubMed 28601681.

NM_001146.5(ANGPT1):c.1481G>A (p.Arg494Gln)

Gene: ANGPT1 (angiopoietin 1; minus strand). Cytogenetic location: 8q23.1.
Variant type: single nucleotide variant.
Coding change: c.1481G>A on transcript NM_001146.5 (MANE Select); coding-DNA position 1481, G replaced by A.
Protein change: p.Arg494Gln; replaces arginine 494 with glutamine.
Molecular consequence: missense variant.
Genome position (GRCh38, 1-based): chr8:107,251,871, C>T on the plus strand (G>A on the coding strand, the complement: ANGPT1 is on the minus strand). VCF-style: chr8-107251871-C-T. GRCh37 (hg19) VCF-style: chr8-108264099-C-T.
Other names: c.1478G>A, p.Arg493Gln (NM_001199859.3); c.881G>A, p.Arg294Gln (NM_001314051.2); short protein forms R294Q, R494Q, R493Q.
Identifiers: ClinVar variation 1506084 (VCV001506084.6), dbSNP rs377442517, ClinGen allele CA4841114.
Genomic context (GRCh38, chr8:107,251,871, plus strand): 5'-CGGATTTCTTTGTTGCTTTCATAATCGCTTCTGACATTGCGCTTTCAAAAATCTAAAGGT[C>T]GAATCATCATAGTTGTGGAACGTAAGGAGTAACTGGGCCCTTTGAAGTAGTGCCACTTTA-3'
Protein context (NP_001137.2, residues 484-498): YSLRSTTMMI[Arg494Gln]PLDF